The following is an entry in ClinVar:

ClinVar aggregate classification (germline): Conflicting classifications of pathogenicity. Review status: criteria provided, conflicting classifications (1 of 4 stars). 18 submissions from 15 submitters: Uncertain significance (9); Likely benign (4). 5 of the submissions do not count toward it. Last evaluated 2026-01-08.

Conditions:
Hereditary hyperinsulinism.
Hyperinsulinemic hypoglycemia, familial, 1 (HHF1). Also called: Persistent Hyperinsulinemia Hypoglycemia of Infancy; HYPERINSULINISM, FAMILIAL, WITH PANCREATIC NESIDIOBLASTOSIS; HYPOGLYCEMIA, HYPERINSULINEMIC, OF INFANCY; NESIDIOBLASTOSIS OF PANCREAS; Persistent hyperinsulinemic hypoglycemia of infancy. Identifiers: Orphanet 276575, Orphanet 276598, MedGen C2931832, MONDO:0009734, OMIM 256450.
Diabetes mellitus, transient neonatal, 2 (TNDM2). Identifiers: Orphanet 99886, MedGen C1835887, MONDO:0012480, OMIM 610374. Disease mechanism: loss of function.
Type 2 diabetes mellitus. Also called: Type II diabetes mellitus. Identifiers: MedGen C0011860, MeSH D003924, MONDO:0005148, OMIM 125853, HP:0005978.
Leucine-induced hypoglycemia (LIH). Also called: LEUCINE-SENSITIVE HYPOGLYCEMIA OF INFANCY. Identifiers: MedGen C0271714, MONDO:0009415, OMIM 240800.
Diabetes mellitus, permanent neonatal 3. Also called: ABCC8-Related Permanent Neonatal Diabetes Mellitus. Identifiers: MedGen C5394303, MONDO:0030088, OMIM 618857.
Inborn genetic diseases. Identifiers: MedGen C0950123, MeSH D030342.
Permanent neonatal diabetes mellitus (PNDM). Identifiers: Orphanet 99885, MedGen C1833104, MONDO:0100164, MONDO:0011643. Disease mechanism: gain of function.

Allele frequency attached by ClinVar (database versions not stated): TOPMed 0.00052; gnomAD 0.00057 and 0.00058; ESP Exome Variant Server 0.00077; ExAC 0.00046; gnomAD exomes 0.00046.
gnomAD v4.1: 1,128 of 1,613,994 alleles (0.07%); highest among the groups gnomAD compares: Middle Eastern, 0.13%; 2 homozygotes.

Submissions (18):

GeneDx
Classification: Uncertain significance. Last evaluated: 2026-01-08. Review status: criteria provided, single submitter. Criteria: GeneDx Variant Classification Process June 2021. Collection method: clinical testing. Allele origin: germline. Affected: yes.
Comment: Identified in the heterozygous state in patients with permanent neonatal diabetes, congenital hyperinsulinism, or MODY in published literature (PMID: 31604004, 23345197, 21544516), and observed in the heterozygous state with a second variant in cis in a patient with congenital hyperinsulinism (PMID: 20943779); however, also observed in the heterozyous or homozygous state in many unaffected, unrelated individuals referred for genetic testing at GeneDx; In silico analysis suggests that this missense variant does not alter protein structure/function; This variant is associated with the following publications: (PMID: 21544516, 23345197, 31604004, 34014594, Deng2023[preprint], 20943779, 32041611, 28442472, 27908292, 24401662, 39895985)

Women's Health and Genetics/Laboratory Corporation of America, LabCorp
Classification: Uncertain significance. Last evaluated: 2025-02-10. Review status: criteria provided, single submitter. Criteria: LabCorp Variant Classification Summary - May 2015. Collection method: clinical testing. Allele origin: germline.
Comment: Variant summary: ABCC8 c.1063G>A (p.Ala355Thr) results in a non-conservative amino acid change located in the ABC transporter type 1, transmembrane domain (IPR011527) of the encoded protein sequence. Three of five in-silico tools predict a damaging effect of the variant on protein function. The variant allele was found at a frequency of 0.00046 in 251468 control chromosomes. This frequency is not significantly higher than estimated for a pathogenic variant in ABCC8 causing Congenital Hyperinsulinism (0.00046 vs 0.0034), allowing no conclusion about variant significance. c.1063G>A has been reported in the literature in individuals affected with Congenital Hyperinsulinism without strong evidence of causality (Hussain_2005, Snider_2013, Kapoor_2013, Mohnike_2014, Li_2017, Ismail_2011). These reports do not provide unequivocal conclusions about association of the variant with Congenital Hyperinsulinism. Co-occurrences with another pathogenic variant in cis has been reported (ABCC8 c.4477C>T, p.Arg1493Trp, Ismail_2011), providing supporting evidence for a benign role. To our knowledge, no experimental evidence demonstrating an impact on protein function has been reported. The following publications have been ascertained in the context of this evaluation (PMID: 16186397, 23275527, 23345197, 24401662, 28442472, 36407475, 20943779). ClinVar contains an entry for this variant (Variation ID: 210066). Based on the evidence outlined above, the variant was classified as uncertain significance.

Labcorp Genetics (formerly Invitae), Labcorp
Classification: Uncertain significance. Last evaluated: 2025-01-07. Review status: criteria provided, single submitter. Criteria: Invitae Variant Classification Sherloc (09022015). Collection method: clinical testing. Allele origin: germline.
Comment: This sequence change replaces alanine, which is neutral and non-polar, with threonine, which is neutral and polar, at codon 355 of the ABCC8 protein (p.Ala355Thr). This variant is present in population databases (rs145136257, gnomAD 0.09%), and has an allele count higher than expected for a pathogenic variant. This missense change has been observed in individual(s) with congenital hyperinsulinism or persistent neonatal diabetes mellitus (PMID: 20943779, 21544516, 24401662, 27908292, 28442472). ClinVar contains an entry for this variant (Variation ID: 210066). Invitae Evidence Modeling of protein sequence and biophysical properties (such as structural, functional, and spatial information, amino acid conservation, physicochemical variation, residue mobility, and thermodynamic stability) indicates that this missense variant is not expected to disrupt ABCC8 protein function with a negative predictive value of 95%. In summary, the available evidence is currently insufficient to determine the role of this variant in disease. Therefore, it has been classified as a Variant of Uncertain Significance.

Blueprint Genetics
Classification: Uncertain significance. Last evaluated: 2024-11-21. Review status: criteria provided, single submitter. Criteria: ACMG Guidelines, 2015. Collection method: clinical testing. Allele origin: germline.

Fulgent Genetics
Classification: Uncertain significance for Type 2 diabetes mellitus; Leucine-induced hypoglycemia; Hyperinsulinemic hypoglycemia, familial, 1; Diabetes mellitus, transient neonatal, 2; Diabetes mellitus, permanent neonatal 3. Last evaluated: 2024-04-11. Review status: criteria provided, single submitter. Criteria: ACMG Guidelines, 2015. Collection method: clinical testing. Allele origin: germline.

Ambry Genetics
Classification: Uncertain significance for Inborn genetic diseases. Last evaluated: 2021-11-29. Review status: criteria provided, single submitter. Criteria: Ambry Variant Classification Scheme 2023. Collection method: clinical testing. Allele origin: germline.

Genomic Research Center, Shahid Beheshti University of Medical Sciences
Classification: Uncertain significance for Type 2 diabetes mellitus. Last evaluated: 2018-03-05. Review status: criteria provided, single submitter. Criteria: ACMG Guidelines, 2015. Collection method: clinical testing. Allele origin: inherited. Affected: no. Observed: 1 variant allele.

Genomic Research Center, Shahid Beheshti University of Medical Sciences
Classification: Uncertain significance for Hyperinsulinemic hypoglycemia, familial, 1. Last evaluated: 2018-03-05. Review status: criteria provided, single submitter. Criteria: ACMG Guidelines, 2015. Collection method: clinical testing. Allele origin: inherited. Affected: no. Observed: 1 variant allele.

Athena Diagnostics
Classification: Uncertain significance. Last evaluated: 2017-08-30. Review status: criteria provided, single submitter. Criteria: Athena Diagnostics Criteria. Collection method: clinical testing. Allele origin: germline.

Genetic Services Laboratory, University of Chicago
Classification: Likely benign. Last evaluated: 2017-08-02. Review status: criteria provided, single submitter. Criteria: ACMG Guidelines, 2015. Collection method: clinical testing. Allele origin: germline. Affected: no.

Illumina Laboratory Services, Illumina
Classification: Likely benign for Diabetes mellitus, transient neonatal, 2. Last evaluated: 2017-04-27. Review status: criteria provided, single submitter. Criteria: ICSL Variant Classification Criteria 13 December 2019. Collection method: clinical testing. Allele origin: germline.
Comment: This variant was observed as part of a predisposition screen in an ostensibly healthy population. A literature search was performed for the gene, cDNA change, and amino acid change (where applicable). No publications were found based on this search. Allele frequency data from public databases allowed determination this variant is unlikely to cause disease. Therefore, this variant is classified as likely benign.

Illumina Laboratory Services, Illumina
Classification: Likely benign for Hyperinsulinemic hypoglycemia, familial, 1. Last evaluated: 2017-04-27. Review status: criteria provided, single submitter. Criteria: ICSL Variant Classification Criteria 13 December 2019. Collection method: clinical testing. Allele origin: germline.
Comment: This variant was observed as part of a predisposition screen in an ostensibly healthy population. A literature search was performed for the gene, cDNA change, and amino acid change (where applicable). Publications were found based on this search. The evidence from the literature, in combination with allele frequency data from public databases where available, was sufficient to determine this variant is unlikely to cause disease. Therefore, this variant is classified as likely benign.

Illumina Laboratory Services, Illumina
Classification: Likely benign for Permanent neonatal diabetes mellitus 1. Last evaluated: 2017-04-27. Review status: criteria provided, single submitter. Criteria: ICSL Variant Classification Criteria 13 December 2019. Collection method: clinical testing. Allele origin: germline.
Comment: the same text as in the submission from Illumina Laboratory Services, Illumina above.

Natera, Inc.
Classification: Uncertain significance for Hereditary hyperinsulinism. Last evaluated: 2021-03-19. Review status: no assertion criteria provided. Collection method: clinical testing. Allele origin: germline. Not counted in ClinVar's aggregate classification.

Clinical Genetics DNA and cytogenetics Diagnostics Lab, Erasmus MC, Erasmus Medical Center
Classification: Uncertain significance. Review status: no assertion criteria provided. Collection method: clinical testing. Allele origin: germline. Affected: yes. Study: VKGL Data-share Consensus. Not counted in ClinVar's aggregate classification.

Diagnostic Laboratory, Department of Genetics, University Medical Center Groningen
Classification: Uncertain significance. Review status: no assertion criteria provided. Collection method: clinical testing. Allele origin: germline. Affected: yes. Study: VKGL Data-share Consensus. Not counted in ClinVar's aggregate classification.

Joint Genome Diagnostic Labs from Nijmegen and Maastricht, Radboudumc and MUMC+
Classification: Uncertain significance. Review status: no assertion criteria provided. Collection method: clinical testing. Allele origin: germline. Affected: yes. Study: VKGL Data-share Consensus. Not counted in ClinVar's aggregate classification.

Laboratory of Diagnostic Genome Analysis, Leiden University Medical Center (LUMC)
Classification: Uncertain significance. Review status: no assertion criteria provided. Collection method: clinical testing. Allele origin: germline. Affected: yes. Study: VKGL Data-share Consensus. Not counted in ClinVar's aggregate classification.

Literature cited by the submitters: PubMed 16186397 (cited by Women's Health and Genetics/Laboratory Corporation of America, LabCorp); PubMed 23275527 (cited by Women's Health and Genetics/Laboratory Corporation of America, LabCorp); PubMed 23345197 (cited by Women's Health and Genetics/Laboratory Corporation of America, LabCorp); PubMed 24401662 (cited by Women's Health and Genetics/Laboratory Corporation of America, LabCorp and Labcorp Genetics (formerly Invitae), Labcorp); PubMed 28442472 (cited by Women's Health and Genetics/Laboratory Corporation of America, LabCorp and Labcorp Genetics (formerly Invitae), Labcorp); PubMed 36407475 (cited by Women's Health and Genetics/Laboratory Corporation of America, LabCorp); PubMed 20943779 (cited by 5 submitters); PubMed 21544516 (cited by 4 submitters); PubMed 27908292 (cited by Labcorp Genetics (formerly Invitae), Labcorp and Ambry Genetics); PubMed 31604004 (cited by Ambry Genetics).

NM_000352.6(ABCC8):c.1063G>A (p.Ala355Thr)

Gene: ABCC8 (ATP binding cassette subfamily C member 8; minus strand). Cytogenetic location: 11p15.1.
Variant type: single nucleotide variant.
Coding change: c.1063G>A on transcript NM_000352.6 (MANE Select); coding-DNA position 1063, G replaced by A.
Protein change: p.Ala355Thr; replaces alanine 355 with threonine.
Molecular consequence: missense variant. On other transcripts: non-coding transcript variant (1).
Genome position (GRCh38, 1-based): chr11:17,453,232, C>T on the plus strand (G>A on the coding strand, the complement: ABCC8 is on the minus strand). VCF-style: chr11-17453232-C-T. GRCh37 (hg19) VCF-style: chr11-17474779-C-T.
Other names: c.1063G>A, p.Ala355Thr (NM_001287174.3, NM_001351295.2); c.1060G>A, p.Ala354Thr (NM_001351296.2, NM_001351297.2); short protein forms A355T, A354T.
Identifiers: ClinVar variation 210066 (VCV000210066.33), dbSNP rs145136257, ClinGen allele CA208474.